The following is an entry in ClinVar:

ClinVar aggregate classification (germline): Conflicting classifications of pathogenicity. Review status: criteria provided, conflicting classifications (1 of 4 stars). 5 submissions from 5 submitters: Uncertain significance (1); Benign (1); Likely benign (2). 1 of the submissions does not count toward it. Last evaluated 2026-01-27.

Conditions:
Alpha thalassemia-X-linked intellectual disability syndrome (ATRX). Also called: ALPHA-THALASSEMIA/IMPAIRED INTELLECTUAL DEVELOPMENT SYNDROME, X-LINKED; ATR, NONDELETION TYPE; ALPHA-THALASSEMIA/MENTAL RETARDATION SYNDROME, X-LINKED; ATR-X syndrome; Alpha thalassemia mental retardation syndrome, nondeletion type, X-linked; XLMR hypotonic face syndrome. Identifiers: Orphanet 847, MedGen C1845055, MONDO:0010519, OMIM 301040.

Allele frequency attached by ClinVar (database versions not stated): gnomAD 0.00008 and 0.00010; ESP Exome Variant Server 0.00009; ExAC 0.00013; gnomAD exomes 0.00009 and 0.00014; TOPMed 0.00010.
gnomAD v4.1: 117 of 1,210,086 alleles (0.0097%); highest among the groups gnomAD compares: Middle Eastern, 0.14%; 1 homozygote.

Submissions (5):

Labcorp Genetics (formerly Invitae), Labcorp
Classification: Benign for Alpha thalassemia-X-linked intellectual disability syndrome. Last evaluated: 2026-01-27. Review status: criteria provided, single submitter. Criteria: Invitae Variant Classification Sherloc (09022015). Collection method: clinical testing. Allele origin: germline.

Blueprint Genetics
Classification: Likely benign. Last evaluated: 2024-11-12. Review status: criteria provided, single submitter. Criteria: ACMG Guidelines, 2015. Collection method: clinical testing. Allele origin: germline.

CeGaT Center for Human Genetics Tuebingen
Classification: Likely benign. Last evaluated: 2023-02-01. Review status: criteria provided, single submitter. Criteria: CeGaT Center For Human Genetics Tuebingen Variant Classification Criteria Version 2. Collection method: clinical testing. Allele origin: germline. Affected: yes. Observed: 3 variant alleles.
Comment: ATRX: BP4, BP7, BS2

Eurofins Ntd Llc (ga)
Classification: Uncertain significance. Last evaluated: 2015-07-23. Review status: criteria provided, single submitter. Criteria: EGL Classification Definitions 2015. Collection method: clinical testing. Allele origin: germline. Observed: 1 variant allele, 1 heterozygote.

Natera, Inc.
Classification: Uncertain significance for X-linked alpha-thalassemia-mental retardation syndrome. Last evaluated: 2020-01-24. Review status: no assertion criteria provided. Collection method: clinical testing. Allele origin: germline. Not counted in ClinVar's aggregate classification.

NM_000489.6(ATRX):c.831C>T (p.Val277=)

Gene: ATRX (ATRX chromatin remodeler; minus strand). Cytogenetic location: Xq21.1.
Variant type: single nucleotide variant.
Coding change: c.831C>T on transcript NM_000489.6 (MANE Select); coding-DNA position 831, C replaced by T.
Protein change: p.Val277=; no amino-acid change (valine 277 retained).
Molecular consequence: synonymous variant.
Genome position (GRCh38, 1-based): chrX:77,684,425, G>A on the plus strand (C>T on the coding strand, the complement: ATRX is on the minus strand). VCF-style: chrX-77684425-G-A. GRCh37 (hg19) VCF-style: chrX-76939917-G-A.
Other names: c.717C>T, p.Val239= (NM_138270.5).
Identifiers: ClinVar variation 281970 (VCV000281970.52), dbSNP rs142561199, ClinGen allele CA10458258.